The following is an entry in ClinVar:

NM_001144967.3(NEDD4L):c.610del (p.Asp204fs)

Gene: NEDD4L (NEDD4 like E3 ubiquitin protein ligase; plus strand). Cytogenetic location: 18q21.31.
Variant type: Deletion.
Coding change: c.610del on transcript NM_001144967.3 (MANE Select); coding-DNA position 610, one base deleted (G; older notation c.610delG).
Protein change: p.Asp204fs; shifts the reading frame from aspartic acid 204.
Molecular consequence: frameshift variant.
Genome position (GRCh38, 1-based): chr18:58,325,092, G deleted; the last of 2 consecutive G bases (chr18:58,325,091-58,325,092); deleting either gives the same sequence. VCF-style (leftmost placement, unchanged base first): chr18-58325090-TG-T. GRCh37 (hg19) VCF-style: chr18-55992322-TG-T.
Other names: c.247del, p.Asp83fs (NM_001144964.1, NM_001144965.2, NM_001144966.3 and 2 more transcripts); c.586del, p.Asp196fs (NM_001144968.2, NM_001144969.2); c.610del, p.Asp204fs (NM_001243960.2, NM_015277.6); short protein forms D196fs, D83fs, D204fs.
Identifiers: ClinVar variation 3657947 (VCV003657947.2).

ClinVar aggregate classification (germline): Uncertain significance (1 of 4 stars; one submission).

Submission:

Labcorp Genetics (formerly Invitae), Labcorp
Classification: Uncertain significance. Last evaluated: 2024-06-26. Review status: criteria provided, single submitter. Criteria: Invitae Variant Classification Sherloc (09022015). Collection method: clinical testing. Allele origin: germline.
Comment: This sequence change creates a premature translational stop signal (p.Asp204Thrfs*3) in the NEDD4L gene. It is expected to result in an absent or disrupted protein product. However, the current clinical and genetic evidence is not sufficient to establish whether loss-of-function variants in NEDD4L cause disease. This variant is not present in population databases (gnomAD no frequency). This variant has not been reported in the literature in individuals affected with NEDD4L-related conditions. In summary, the available evidence is currently insufficient to determine the role of this variant in disease. Therefore, it has been classified as a Variant of Uncertain Significance.